The following is an entry in ClinVar:

NM_001319074.4(RAX2):c.74A>C (p.Lys25Thr)

Gene: RAX2 (retina and anterior neural fold homeobox 2; minus strand). Cytogenetic location: 19p13.3.
Variant type: single nucleotide variant.
Coding change: c.74A>C on transcript NM_001319074.4 (MANE Select); coding-DNA position 74, A replaced by C.
Protein change: p.Lys25Thr; replaces lysine 25 with threonine.
Molecular consequence: missense variant.
Genome position (GRCh38, 1-based): chr19:3,771,669, T>G on the plus strand (A>C on the coding strand, the complement: RAX2 is on the minus strand). VCF-style: chr19-3771669-T-G. GRCh37 (hg19) VCF-style: chr19-3771667-T-G.
Other names: c.74A>C, p.Lys25Thr (NM_032753.4); short protein forms K25T.
Identifiers: ClinVar variation 1381169 (VCV001381169.6), dbSNP rs2037264347, ClinGen allele CA403375964.

ClinVar aggregate classification (germline): Uncertain significance (1 of 4 stars; one submission).

Allele frequency attached by ClinVar (database versions not stated): TOPMed below 0.00001.

Submission:

Labcorp Genetics (formerly Invitae), Labcorp
Classification: Uncertain significance. Last evaluated: 2022-11-08. Review status: criteria provided, single submitter. Criteria: Invitae Variant Classification Sherloc (09022015). Collection method: clinical testing. Allele origin: germline.
Comment: This sequence change replaces lysine, which is basic and polar, with threonine, which is neutral and polar, at codon 25 of the RAX2 protein (p.Lys25Thr). This variant is not present in population databases (gnomAD no frequency). This variant has not been reported in the literature in individuals affected with RAX2-related conditions. ClinVar contains an entry for this variant (Variation ID: 1381169). Algorithms developed to predict the effect of missense changes on protein structure and function (SIFT, PolyPhen-2, Align-GVGD) all suggest that this variant is likely to be disruptive. In summary, the available evidence is currently insufficient to determine the role of this variant in disease. Therefore, it has been classified as a Variant of Uncertain Significance.